The following is an entry in ClinVar:

NM_000492.4(CFTR):c.3739G>A (p.Gly1247Arg)

Genes: CFTR (CF transmembrane conductance regulator; plus strand), CFTR-AS2 (CFTR antisense RNA 2; minus strand). Cytogenetic location: 7q31.2.
Variant type: single nucleotide variant.
Coding change: c.3739G>A on transcript NM_000492.4 (MANE Select); coding-DNA position 3739, G replaced by A.
Protein change: p.Gly1247Arg; replaces glycine 1247 with arginine.
Molecular consequence: missense variant.
Genome position (GRCh38, 1-based): chr7:117,642,459, G>A. VCF-style: chr7-117642459-G-A. GRCh37 (hg19) VCF-style: chr7-117282513-G-A.
Other names: short protein forms G1247R.
Identifiers: ClinVar variation 618901 (VCV000618901.6), dbSNP rs397508601, ClinGen allele CA368974490.
Genomic context (GRCh38, chr7:117,642,459, plus strand): 5'-ATATGTCACAGAAGTGATCCCATCACTTTTACCTTATAGGTGGGCCTCTTGGGAAGAACT[G>A]GATCAGGGAAGAGTACTTTGTTATCAGCTTTTTTGAGACTACTGAACACTGAAGGAGAAA-3'
Protein context (NP_000483.3, residues 1237-1257): GQRVGLLGRT[Gly1247Arg]SGKSTLLSAF

ClinVar aggregate classification (germline): Likely pathogenic. Review status: criteria provided, multiple submitters, no conflicts (2 of 4 stars). 4 submissions from 4 submitters: Likely pathogenic (4). Last evaluated 2025-12-10.

Conditions:
Cystic fibrosis (CF). Also called: MUCOVISCIDOSIS. Identifiers: Orphanet 586, MedGen C0010674, MONDO:0009061, OMIM 219700. Disease mechanism: loss of function.
CFTR-related disorder (CFTR-RD). Also called: CFTR-related disorders; CFTR-related condition. Identifiers: MedGen C5924204, MONDO:7770004.

Allele frequency attached by ClinVar (database versions not stated): gnomAD exomes below 0.00001.
gnomAD v4.1: 2 of 1,613,608 alleles (0.00012%); highest among the groups gnomAD compares: Non-Finnish European, 0.00017%; no homozygotes.

Submissions (4):

Natera, Inc.
Classification: Likely pathogenic for CFTR-related disorders. Last evaluated: 2025-12-10. Review status: criteria provided, single submitter. Criteria: Natera Variant Classification Schema (03/2026). Collection method: clinical testing. Allele origin: germline.
Comment: The c.3739G>A variant in CFTR is a missense variant predicted to cause substitution of glycine to arginine at amino acid 1247. This variant is rare in the general population with a frequency below the threshold expected for the associated phenotype(s). Another variant at this same site results in an alteration predicted to cause a similar molecular effect has been observed in individual(s) with the associated phenotype. Computational prediction algorithms indicate this variant is likely to affect gene or protein function. Given the available evidence, this variant is classified as Likely Pathogenic.

Women's Health and Genetics/Laboratory Corporation of America, LabCorp
Classification: Likely pathogenic for Cystic fibrosis. Last evaluated: 2025-06-17. Review status: criteria provided, single submitter. Criteria: LabCorp Variant Classification Summary - May 2015. Collection method: clinical testing. Allele origin: germline.
Comment: Variant summary: CFTR c.3739G>A (p.Gly1247Arg) results in a non-conservative amino acid change in the encoded protein sequence. Algorithms developed to predict the effect of missense changes on protein structure and function all suggest that this variant is likely to be disruptive. The variant was absent in 250992 control chromosomes. c.3739G>A has been observed in individual(s) affected with Cystic Fibrosis and features of Cystic Fibrosis (Desai_2018, Lucarelli_CFTR_2015, Dorfman_2010, Sickkids_database). These data indicate that the variant is likely to be associated with disease. To our knowledge, no experimental evidence demonstrating an impact on protein function has been reported. The following publications have been ascertained in the context of this evaluation (PMID: 29944384, 20059485, 25910067). ClinVar contains an entry for this variant (Variation ID: 618901). Based on the evidence outlined above, the variant was classified as likely pathogenic.

Mendelics
Classification: Likely pathogenic for Cystic fibrosis. Last evaluated: 2018-11-05. Review status: criteria provided, single submitter. Criteria: Mendelics Assertion Criteria 2017. Collection method: clinical testing. Allele origin: unknown. Affected: yes.

Ambry Genetics
Classification: Likely pathogenic for Cystic fibrosis. Last evaluated: 2017-02-22. Review status: criteria provided, single submitter. Criteria: Ambry Variant Classification Scheme 2023. Collection method: clinical testing. Allele origin: germline.
Comment: The p.G1247R variant (also known as c.3739G>A), located in coding exon 23 of the CFTR gene, results from a G to A substitution at nucleotide position 3739. The glycine at codon 1247 is replaced by arginine, an amino acid with dissimilar properties. This variant was not reported in the ExAC database, with coverage at this position. This amino acid position is highly conserved in available vertebrate species. In addition, this alteration is predicted to be deleterious by in silico analysis. Based on the majority of available evidence to date, this variant is likely to be pathogenic.

Literature cited by the submitters: PubMed 20059485 (cited by Women's Health and Genetics/Laboratory Corporation of America, LabCorp); PubMed 25910067 (cited by Women's Health and Genetics/Laboratory Corporation of America, LabCorp and Ambry Genetics); PubMed 29944384 (cited by Women's Health and Genetics/Laboratory Corporation of America, LabCorp).